The following is an entry in ClinVar:

NM_001371986.1(UNC80):c.9448C>T (p.Arg3150Cys)

Gene: UNC80 (unc-80 subunit of NALCN channel complex; plus strand). Cytogenetic location: 2q34.
Variant type: single nucleotide variant.
Coding change: c.9448C>T on transcript NM_001371986.1 (MANE Select); coding-DNA position 9448, C replaced by T.
Protein change: p.Arg3150Cys; replaces arginine 3150 with cysteine.
Molecular consequence: missense variant.
Genome position (GRCh38, 1-based): chr2:209,993,366, C>T. VCF-style: chr2-209993366-C-T. GRCh37 (hg19) VCF-style: chr2-210858090-C-T.
Other names: c.9250C>T, p.Arg3084Cys (NM_032504.2); c.9178C>T, p.Arg3060Cys (NM_182587.4); short protein forms R3084C, R3060C, R3150C.
Identifiers: ClinVar variation 548525 (VCV000548525.12), dbSNP rs868379708, ClinGen allele CA64664921.

ClinVar aggregate classification (germline): Uncertain significance. Review status: criteria provided, multiple submitters, no conflicts (2 of 4 stars). 5 submissions from 5 submitters: Uncertain significance (5). Last evaluated 2025-02-10.

Conditions:
Inborn genetic diseases. Identifiers: MedGen C0950123, MeSH D030342.
Hypotonia, infantile, with psychomotor retardation and characteristic facies 2 (IHPRF2). Also called: UNC80 Deficiency. Identifiers: Orphanet 371364, Orphanet 700333, MedGen C4225203, MONDO:0014777, OMIM 616801.

Allele frequency attached by ClinVar (database versions not stated): gnomAD 0.00003; gnomAD exomes 0.00003 and 0.00004; TOPMed 0.00005.
gnomAD v4.1: 48 of 1,551,756 alleles (0.0031%); highest among the groups gnomAD compares: Middle Eastern, 0.067%; no homozygotes.

Submissions (5):

Labcorp Genetics (formerly Invitae), Labcorp
Classification: Uncertain significance. Last evaluated: 2025-02-10. Review status: criteria provided, single submitter. Criteria: Invitae Variant Classification Sherloc (09022015). Collection method: clinical testing. Allele origin: germline.
Comment: This sequence change replaces arginine, which is basic and polar, with cysteine, which is neutral and slightly polar, at codon 3084 of the UNC80 protein (p.Arg3084Cys). This variant is present in population databases (no rsID available, gnomAD 0.02%). This variant has not been reported in the literature in individuals affected with UNC80-related conditions. ClinVar contains an entry for this variant (Variation ID: 548525). Invitae Evidence Modeling of protein sequence and biophysical properties (such as structural, functional, and spatial information, amino acid conservation, physicochemical variation, residue mobility, and thermodynamic stability) indicates that this missense variant is not expected to disrupt UNC80 protein function with a negative predictive value of 80%. Algorithms developed to predict the effect of sequence changes on RNA splicing suggest that this variant may disrupt the consensus splice site. In summary, the available evidence is currently insufficient to determine the role of this variant in disease. Therefore, it has been classified as a Variant of Uncertain Significance.

Ambry Genetics
Classification: Uncertain significance for Inborn genetic diseases. Last evaluated: 2024-11-12. Review status: criteria provided, single submitter. Criteria: Ambry Variant Classification Scheme 2023. Collection method: clinical testing. Allele origin: germline.

Blueprint Genetics
Classification: Uncertain significance. Last evaluated: 2022-12-13. Review status: criteria provided, single submitter. Criteria: ACMG Guidelines, 2015. Collection method: clinical testing. Allele origin: germline.

Fulgent Genetics
Classification: Uncertain significance for Hypotonia, infantile, with psychomotor retardation and characteristic facies 2. Last evaluated: 2018-10-31. Review status: criteria provided, single submitter. Criteria: ACMG Guidelines, 2015. Collection method: clinical testing. Allele origin: unknown.

Genomic Research Center, Shahid Beheshti University of Medical Sciences
Classification: Uncertain significance for Hypotonia, infantile, with psychomotor retardation and characteristic facies 2. Last evaluated: 2018-03-05. Review status: criteria provided, single submitter. Criteria: ACMG Guidelines, 2015. Collection method: clinical testing. Allele origin: inherited. Affected: yes. Observed: 1 variant allele.